The following is an entry in ClinVar:

NM_016239.4(MYO15A):c.9230-1G>A

Gene: MYO15A (myosin XVA; plus strand). Cytogenetic location: 17p11.2.
Variant type: single nucleotide variant.
Coding change: c.9230-1G>A on transcript NM_016239.4 (MANE Select); the canonical splice acceptor site of the intron before coding-DNA position 9230, G replaced by A.
Molecular consequence: splice acceptor variant.
Genome position (GRCh38, 1-based): chr17:18,159,605, G>A. VCF-style: chr17-18159605-G-A. GRCh37 (hg19) VCF-style: chr17-18062919-G-A.
Identifiers: ClinVar variation 2869002 (VCV002869002.4), dbSNP rs1178075388, ClinGen allele CA398634240.
Genomic context (GRCh38, chr17:18,159,605, plus strand): 5'-CCTGGGGTGGGTGGGCAACTGGGGGTTTGGTGGGTCTGAGTGGGATAGGTCTTTCCTACA[G>A]CTGTAATGAGGTTCATGGGGGATGCCCCACTGAAGGGCCAGAGTGACCTGGACGTGCTTT-3'

ClinVar aggregate classification (germline): Likely pathogenic. Review status: criteria provided, multiple submitters, no conflicts (2 of 4 stars). 2 submissions from 2 submitters: Likely pathogenic (2). Last evaluated 2025-05-02.

Allele frequency attached by ClinVar (database versions not stated): gnomAD exomes below 0.00001; TOPMed below 0.00001; gnomAD 0.00001.
gnomAD v4.1: 3 of 1,613,940 alleles (0.00019%); highest among the groups gnomAD compares: African/African-American, 0.0027%; no homozygotes.

Submissions (2):

GeneDx
Classification: Likely pathogenic. Last evaluated: 2025-05-02. Review status: criteria provided, single submitter. Criteria: GeneDx Variant Classification Process June 2021. Collection method: clinical testing. Allele origin: germline. Affected: yes.
Comment: Canonical splice site variant predicted to result in a null allele in a gene for which loss of function is a known mechanism of disease; Not observed at significant frequency in large population cohorts (gnomAD); Has not been previously published as pathogenic or benign to our knowledge

Labcorp Genetics (formerly Invitae), Labcorp
Classification: Likely pathogenic. Last evaluated: 2023-04-04. Review status: criteria provided, single submitter. Criteria: Invitae Variant Classification Sherloc (09022015). Collection method: clinical testing. Allele origin: germline.
Comment: This sequence change affects an acceptor splice site in intron 54 of the MYO15A gene. It is expected to disrupt RNA splicing. Variants that disrupt the donor or acceptor splice site typically lead to a loss of protein function (PMID: 16199547), and loss-of-function variants in MYO15A are known to be pathogenic (PMID: 17546645). In summary, the currently available evidence indicates that the variant is pathogenic, but additional data are needed to prove that conclusively. Therefore, this variant has been classified as Likely Pathogenic. Algorithms developed to predict the effect of sequence changes on RNA splicing suggest that this variant may disrupt the consensus splice site. This variant has not been reported in the literature in individuals affected with MYO15A-related conditions. This variant is present in population databases (no rsID available, gnomAD 0.007%).

Literature cited by the submitters: PubMed 16199547 (cited by Labcorp Genetics (formerly Invitae), Labcorp); PubMed 17546645 (cited by Labcorp Genetics (formerly Invitae), Labcorp).